The following is an entry in ClinVar:

ClinVar aggregate classification (germline): Uncertain significance. Review status: criteria provided, multiple submitters, no conflicts (2 of 4 stars). 3 submissions from 3 submitters: Uncertain significance (3). Last evaluated 2025-01-24.

Conditions:
Hereditary cancer-predisposing syndrome. Also called: Tumor predisposition; Neoplastic Syndromes, Hereditary; Hereditary neoplastic syndrome; Hereditary Cancer Syndrome. Identifiers: Orphanet 140162, MedGen C0027672, MeSH D009386, MONDO:0015356.
Familial adenomatous polyposis 1 (FAP1). Also called: FAMILIAL ADENOMATOUS POLYPOSIS 1, ATTENUATED; POLYPOSIS, ADENOMATOUS INTESTINAL. Identifiers: MedGen C2713442, MONDO:0021056, OMIM 175100. Disease mechanism: loss of function.

Submissions (3):

Ambry Genetics
Classification: Uncertain significance for Hereditary cancer-predisposing syndrome. Last evaluated: 2025-01-24. Review status: criteria provided, single submitter. Criteria: Ambry Variant Classification Scheme 2023. Collection method: clinical testing. Allele origin: germline.
Comment: The p.D2699H variant (also known as c.8095G>C), located in coding exon 15 of the APC gene, results from a G to C substitution at nucleotide position 8095. The aspartic acid at codon 2699 is replaced by histidine, an amino acid with similar properties. This amino acid position is not well conserved in available vertebrate species. In addition, in silico predictors for this gene do not accurately predict pathogenicity. Missense alterations in APC are not a common cause of disease (Spier I et al. Genet Med. 2024 Feb;26(2):100992). Based on the available evidence, the clinical significance of this variant remains unclear.

Baylor Genetics
Classification: Uncertain significance for Familial adenomatous polyposis 1. Last evaluated: 2024-02-14. Review status: criteria provided, single submitter. Criteria: ACMG Guidelines, 2015. Collection method: clinical testing. Allele origin: unknown.

Labcorp Genetics (formerly Invitae), Labcorp
Classification: Uncertain significance for Familial adenomatous polyposis 1. Last evaluated: 2021-11-06. Review status: criteria provided, single submitter. Criteria: Invitae Variant Classification Sherloc (09022015). Collection method: clinical testing. Allele origin: germline.
Comment: This sequence change replaces aspartic acid, which is acidic and polar, with histidine, which is basic and polar, at codon 2699 of the APC protein (p.Asp2699His). This variant is not present in population databases (gnomAD no frequency). This variant has not been reported in the literature in individuals affected with APC-related conditions. Algorithms developed to predict the effect of missense changes on protein structure and function are either unavailable or do not agree on the potential impact of this missense change (SIFT: "Deleterious"; PolyPhen-2: "Probably Damaging"; Align-GVGD: "Class C0"). In summary, the available evidence is currently insufficient to determine the role of this variant in disease. Therefore, it has been classified as a Variant of Uncertain Significance.

NM_000038.6(APC):c.8095G>C (p.Asp2699His)

Gene: APC (APC regulator of Wnt signaling pathway; plus strand). Cytogenetic location: 5q22.2.
Variant type: single nucleotide variant.
Coding change: c.8095G>C on transcript NM_000038.6 (MANE Select); coding-DNA position 8095, G replaced by C.
Protein change: p.Asp2699His; replaces aspartic acid 2699 with histidine.
Molecular consequence: missense variant.
Genome position (GRCh38, 1-based): chr5:112,843,689, G>C. VCF-style: chr5-112843689-G-C. GRCh37 (hg19) VCF-style: chr5-112179386-G-C.
Other names: c.8011G>C, p.Asp2671His (NM_001354899.2); c.7972G>C, p.Asp2658His (NM_001354900.2); c.7918G>C, p.Asp2640His (NM_001354901.2); c.7822G>C, p.Asp2608His (NM_001354902.2); c.7792G>C, p.Asp2598His (NM_001354903.2); c.7717G>C, p.Asp2573His (NM_001354904.2); c.7615G>C, p.Asp2539His (NM_001354905.2); c.7246G>C, p.Asp2416His (NM_001354906.2); and 5 more; short protein forms D2573H, D2674H, D2681H, D2717H, D2598H, D2709H, D2416H, D2539H.
Identifiers: ClinVar variation 1516098 (VCV001516098.10), dbSNP rs2149999138, ClinGen allele CA16038910.